The following is an entry in ClinVar:

ClinVar aggregate classification (germline): Uncertain significance (1 of 4 stars; one submission).

Conditions:
Charcot-Marie-Tooth disease type 4. Also called: Charcot-Marie-Tooth disease, type IV; Charcot-Marie-Tooth, Type 4. Identifiers: Orphanet 64749, MedGen C4082197, MONDO:0018995.

Submission:

Labcorp Genetics (formerly Invitae), Labcorp
Classification: Uncertain significance for Charcot-Marie-Tooth disease type 4. Last evaluated: 2020-12-19. Review status: criteria provided, single submitter. Criteria: Invitae Variant Classification Sherloc (09022015). Collection method: clinical testing. Allele origin: germline.
Comment: This sequence change replaces threonine with serine at codon 338 of the FIG4 protein (p.Thr338Ser). The threonine residue is moderately conserved and there is a small physicochemical difference between threonine and serine. In summary, the available evidence is currently insufficient to determine the role of this variant in disease. Therefore, it has been classified as a Variant of Uncertain Significance. Algorithms developed to predict the effect of missense changes on protein structure and function (SIFT, PolyPhen-2, Align-GVGD) all suggest that this variant is likely to be tolerated, but these predictions have not been confirmed by published functional studies and their clinical significance is uncertain. This variant has not been reported in the literature in individuals with FIG4-related conditions. This variant is not present in population databases (ExAC no frequency).

NM_014845.6(FIG4):c.1012A>T (p.Thr338Ser)

Gene: FIG4 (FIG4 phosphoinositide 5-phosphatase; plus strand). Cytogenetic location: 6q21.
Variant type: single nucleotide variant.
Coding change: c.1012A>T on transcript NM_014845.6 (MANE Select); coding-DNA position 1012, A replaced by T.
Protein change: p.Thr338Ser; replaces threonine 338 with serine.
Molecular consequence: missense variant.
Genome position (GRCh38, 1-based): chr6:109,743,245, A>T. VCF-style: chr6-109743245-A-T. GRCh37 (hg19) VCF-style: chr6-110064448-A-T.
Other names: short protein forms T338S.
Identifiers: ClinVar variation 1476506 (VCV001476506.8), dbSNP rs771265385, ClinGen allele CA365222039.